The following is an entry in ClinVar:

ClinVar aggregate classification (germline): Uncertain significance. Review status: criteria provided, multiple submitters, no conflicts (2 of 4 stars). 2 submissions from 2 submitters: Uncertain significance (2). Last evaluated 2026-02-11.

Conditions:
Hereditary cancer-predisposing syndrome. Also called: Neoplastic Syndromes, Hereditary; Tumor predisposition; Hereditary Cancer Syndrome; Hereditary neoplastic syndrome. Identifiers: Orphanet 140162, MedGen C0027672, MeSH D009386, MONDO:0015356.
Familial cancer of breast. Also called: BREAST CANCER, FAMILIAL; Hereditary breast cancer; hereditary breast carcinoma. Identifiers: Orphanet 227535, MedGen C0346153, MONDO:0016419, OMIM 114480. Disease mechanism: loss of function.

Submissions (2):

St. Jude Molecular Pathology, St. Jude Children's Research Hospital
Classification: Uncertain significance for Familial cancer of breast. Last evaluated: 2026-02-11. Review status: criteria provided, single submitter. Criteria: St. Jude Assertion Criteria 2020. Collection method: clinical testing. Allele origin: germline.
Comment: The BARD1 c.1529T>G p.(Val510Gly) missense change is absent in gnomAD v2.1.1. The in silico tool REVEL predicts a deleterious effect on protein function, but to our knowledge this prediction has not been confirmed by functional studies. To our knowledge, this variant has not been reported in individuals with BARD1-related disease. In summary, the evidence currently available is insufficient to determine the clinical significance of this variant. It has therefore been classified as of uncertain significance.

Ambry Genetics
Classification: Uncertain significance for Hereditary cancer-predisposing syndrome. Last evaluated: 2025-08-08. Review status: criteria provided, single submitter. Criteria: Ambry Variant Classification Scheme 2023. Collection method: clinical testing. Allele origin: germline.
Comment: The p.V510G variant (also known as c.1529T>G), located in coding exon 6 of the BARD1 gene, results from a T to G substitution at nucleotide position 1529. The valine at codon 510 is replaced by glycine, an amino acid with dissimilar properties. This amino acid position is conserved. In addition, this alteration is predicted to be deleterious by in silico analysis. Based on the available evidence, the clinical significance of this variant remains unclear.

NM_000465.4(BARD1):c.1529T>G (p.Val510Gly)

Gene: BARD1 (BRCA1 associated RING domain 1; minus strand). Cytogenetic location: 2q35.
Variant type: single nucleotide variant.
Coding change: c.1529T>G on transcript NM_000465.4 (MANE Select); coding-DNA position 1529, T replaced by G.
Protein change: p.Val510Gly; replaces valine 510 with glycine.
Molecular consequence: missense variant. On other transcripts: non-coding transcript variant (3), intron variant (3).
Genome position (GRCh38, 1-based): chr2:214,767,521, A>C on the plus strand (T>G on the coding strand, the complement: BARD1 is on the minus strand). VCF-style: chr2-214767521-A-C. GRCh37 (hg19) VCF-style: chr2-215632245-A-C.
Other names: c.1472T>G, p.Val491Gly (NM_001282543.2); c.159-14966T>G (NM_001282548.2); c.216-14966T>G (NM_001282545.2); c.364+24776T>G (NM_001282549.2); short protein forms V510G, V491G.
Identifiers: ClinVar variation 4196223 (VCV004196223.2).